The following is an entry in ClinVar:

NM_001160148.2(DDHD1):c.389C>T (p.Ser130Leu)

Gene: DDHD1 (DDHD domain containing 1; minus strand). Cytogenetic location: 14q22.1.
Variant type: single nucleotide variant.
Coding change: c.389C>T on transcript NM_001160148.2 (MANE Select); coding-DNA position 389, C replaced by T.
Protein change: p.Ser130Leu; replaces serine 130 with leucine.
Molecular consequence: missense variant.
Genome position (GRCh38, 1-based): chr14:53,152,710, G>A on the plus strand (C>T on the coding strand, the complement: DDHD1 is on the minus strand). VCF-style: chr14-53152710-G-A. GRCh37 (hg19) VCF-style: chr14-53619428-G-A.
Other names: c.389C>T, p.Ser130Leu (NM_001160147.2, NM_030637.3); short protein forms S130L.
Identifiers: ClinVar variation 4699165 (VCV004699165.1).
Genomic context (GRCh38, chr14:53,152,710, plus strand): 5'-CCGCCAAGCCGGGTACGTTTCCTTTCCCCGGGGGACCCTCCTGTCGCGCCGCCGCCCCCC[G>A]AGTTCGTCGGGACCAGCGGAGGCTGCTGCGGCGGGTGCAGCGACAAGGAGCTGCCGCCGC-3'
Protein context (NP_001153620.1, residues 120-140): PQQPPLVPTN[Ser130Leu]GGGGATGGSP

ClinVar aggregate classification (germline): Uncertain significance (1 of 4 stars; one submission).

Conditions:
Hereditary spastic paraplegia 28. Also called: Spastic paraplegia 28, autosomal recessive. Identifiers: Orphanet 101008, MedGen C1836295, MONDO:0012256, OMIM 609340.

gnomAD v4.1: 2 of 1,606,688 alleles (0.00012%); highest among the groups gnomAD compares: East Asian, 0.0022%; no homozygotes.

Submission:

Labcorp Genetics (formerly Invitae), Labcorp
Classification: Uncertain significance for Hereditary spastic paraplegia 28. Last evaluated: 2025-06-24. Review status: criteria provided, single submitter. Criteria: Invitae Variant Classification Sherloc (09022015). Collection method: clinical testing. Allele origin: germline.
Comment: This sequence change replaces serine, which is neutral and polar, with leucine, which is neutral and non-polar, at codon 130 of the DDHD1 protein (p.Ser130Leu). This variant is present in population databases (no rsID available, gnomAD 0.01%). This variant has not been reported in the literature in individuals affected with DDHD1-related conditions. Invitae Evidence Modeling of protein sequence and biophysical properties (such as structural, functional, and spatial information, amino acid conservation, physicochemical variation, residue mobility, and thermodynamic stability) indicates that this missense variant is not expected to disrupt DDHD1 protein function with a negative predictive value of 80%. In summary, the available evidence is currently insufficient to determine the role of this variant in disease. Therefore, it has been classified as a Variant of Uncertain Significance.